The following is an entry in ClinVar:

NM_001848.3(COL6A1):c.1822+42G>C

Gene: COL6A1 (collagen type VI alpha 1 chain; plus strand). Cytogenetic location: 21q22.3.
Variant type: single nucleotide variant.
Coding change: c.1822+42G>C on transcript NM_001848.3 (MANE Select); 42 bases into the intron after coding-DNA position 1822, G replaced by C.
Molecular consequence: intron variant.
Genome position (GRCh38, 1-based): chr21:46,000,809, G>C. VCF-style: chr21-46000809-G-C. GRCh37 (hg19) VCF-style: chr21-47420723-G-C.
Identifiers: ClinVar variation 93831 (VCV000093831.7), dbSNP rs13053065, ClinGen allele CA147345.

ClinVar aggregate classification (germline): Benign. Review status: criteria provided, multiple submitters, no conflicts (2 of 4 stars). 4 submissions from 4 submitters: Benign (4). Last evaluated 2018-06-14.

Allele frequency attached by ClinVar (database versions not stated): 1000 Genomes Project 0.26597; 1000 Genomes Project 30x 0.26983; ExAC 0.28387; gnomAD 0.31288; TOPMed 0.32506; ESP Exome Variant Server 0.33608.
gnomAD v4.1: 486,694 of 1,611,126 alleles (30%); highest among the groups gnomAD compares: African/African-American, 39%; 75,392 homozygotes.

Submissions (4):

GeneDx
Classification: Benign. Last evaluated: 2018-06-14. Review status: criteria provided, single submitter. Criteria: GeneDx Variant Classification (06012015). Collection method: clinical testing. Allele origin: germline. Affected: yes.
Comment: This variant is considered likely benign or benign based on one or more of the following criteria: it is a conservative change, it occurs at a poorly conserved position in the protein, it is predicted to be benign by multiple in silico algorithms, and/or has population frequency not consistent with disease.

Eurofins Ntd Llc (ga)
Classification: Benign. Last evaluated: 2012-08-24. Review status: criteria provided, single submitter. Criteria: EGL Classification Definitions 2015. Collection method: clinical testing. Allele origin: germline. Observed: 28 variant alleles, 23 heterozygotes, 5 homozygotes.

Breakthrough Genomics
Classification: Benign. Review status: criteria provided, single submitter. Criteria: ACMG Guidelines, 2015. Collection method: not provided. Allele origin: germline. Inheritance: Autosomal recessive inheritance. Affected: yes.

PreventionGenetics, part of Exact Sciences
Classification: Benign. Review status: criteria provided, single submitter. Criteria: ACMG Guidelines, 2015. Collection method: clinical testing. Allele origin: germline.